The following is an entry in ClinVar:

NM_000069.3(CACNA1S):c.2376T>C (p.Cys792=)

Gene: CACNA1S (calcium voltage-gated channel subunit alpha1 S; minus strand). Cytogenetic location: 1q32.1.
Variant type: single nucleotide variant.
Coding change: c.2376T>C on transcript NM_000069.3 (MANE Select); coding-DNA position 2376, T replaced by C.
Protein change: p.Cys792=; no amino-acid change (cysteine 792 retained).
Molecular consequence: synonymous variant.
Genome position (GRCh38, 1-based): chr1:201,069,586, A>G on the plus strand (T>C on the coding strand, the complement: CACNA1S is on the minus strand). VCF-style: chr1-201069586-A-G. GRCh37 (hg19) VCF-style: chr1-201038714-A-G.
Identifiers: ClinVar variation 473976 (VCV000473976.19), dbSNP rs528604695, ClinGen allele CA078965.

ClinVar aggregate classification (germline): Likely benign. Review status: criteria provided, multiple submitters, no conflicts (2 of 4 stars). 10 submissions from 7 submitters: Likely benign (10). Last evaluated 2026-06-01.

Conditions:
Hypokalemic periodic paralysis, type 1. Also called: HypoPP; Hypokalemic Periodic Paralysis Type 1 (AD). Identifiers: Orphanet 681, MedGen C3714580, MONDO:0042979, OMIM 170400.
Malignant hyperthermia, susceptibility to, 5 (MHS5). Also called: CACNA1S-Related Malignant Hyperthermia Susceptibility. Identifiers: Orphanet 423, MedGen C1866077, MONDO:0011163, OMIM 601887.
Thyrotoxic periodic paralysis, susceptibility to, 1 (TTPP1). Identifiers: Orphanet 79102, MedGen C2749982, MONDO:0008570, OMIM 188580.
Congenital myopathy 18. Also called: Myopathy, congenital, due to dihydropyridine receptor defect; DIHYDROPYRIDINE RECEPTOR CONGENITAL MYOPATHY; DHPR CONGENITAL MYOPATHY. Identifiers: MedGen C5830283, MONDO:0859514, OMIM 620246.

Allele frequency attached by ClinVar (database versions not stated): ExAC below 0.00001; gnomAD exomes 0.00005 and 0.00007; gnomAD 0.00006; TOPMed 0.00009.
gnomAD v4.1: 82 of 1,557,066 alleles (0.0053%); highest among the groups gnomAD compares: Admixed American, 0.014%; no homozygotes.

Submissions (10):

CeGaT Center for Human Genetics Tuebingen
Classification: Likely benign. Last evaluated: 2026-06-01. Review status: criteria provided, single submitter. Criteria: CeGaT Center For Human Genetics Tuebingen Variant Classification Criteria Version 2. Collection method: clinical testing. Allele origin: germline. Affected: yes. Observed: 1 variant allele.
Comment: CACNA1S: BP4, BP7

Labcorp Genetics (formerly Invitae), Labcorp
Classification: Likely benign for Hypokalemic periodic paralysis, type 1; Malignant hyperthermia, susceptibility to, 5. Last evaluated: 2025-12-11. Review status: criteria provided, single submitter. Criteria: Invitae Variant Classification Sherloc (09022015). Collection method: clinical testing. Allele origin: germline.

Blueprint Genetics
Classification: Likely benign. Last evaluated: 2024-10-09. Review status: criteria provided, single submitter. Criteria: ACMG Guidelines, 2015. Collection method: clinical testing. Allele origin: germline.

All of Us Research Program, National Institutes of Health
Classification: Likely benign for Malignant hyperthermia, susceptibility to, 5. Last evaluated: 2023-12-01. Review status: criteria provided, single submitter. Criteria: ACMG Guidelines, 2015. Collection method: clinical testing. Allele origin: germline. Inheritance: Autosomal dominant inheritance. Observed: 18 variant alleles, 18 heterozygotes.
Comment: This study involves interpretation of variants in research participants for the purpose of population health screening. Participant phenotype was not available at the time of variant classification. Additional details can be found in publication PMID: 35346344, PMCID: PMC8962531

Genome-Nilou Lab
Classification: Likely benign for Malignant hyperthermia, susceptibility to, 5. Last evaluated: 2023-04-11. Review status: criteria provided, single submitter. Criteria: ACMG Guidelines, 2015. Collection method: clinical testing. Allele origin: germline. Affected: no.

Genome-Nilou Lab
Classification: Likely benign for Thyrotoxic periodic paralysis, susceptibility to, 1. Last evaluated: 2023-04-11. Review status: criteria provided, single submitter. Criteria: ACMG Guidelines, 2015. Collection method: clinical testing. Allele origin: germline. Affected: no.

Genome-Nilou Lab
Classification: Likely benign for Congenital myopathy 18. Last evaluated: 2023-04-11. Review status: criteria provided, single submitter. Criteria: ACMG Guidelines, 2015. Collection method: clinical testing. Allele origin: germline. Affected: no.

Genome-Nilou Lab
Classification: Likely benign for Hypokalemic periodic paralysis, type 1. Last evaluated: 2023-04-11. Review status: criteria provided, single submitter. Criteria: ACMG Guidelines, 2015. Collection method: clinical testing. Allele origin: germline. Affected: no.

Color Diagnostics, LLC DBA Color Health
Classification: Likely benign for Malignant hyperthermia, susceptibility to, 5. Last evaluated: 2022-11-06. Review status: criteria provided, single submitter. Criteria: ACMG Guidelines, 2015. Collection method: clinical testing. Allele origin: germline.

Fulgent Genetics
Classification: Likely benign for Hypokalemic periodic paralysis, type 1; Thyrotoxic periodic paralysis, susceptibility to, 1; Malignant hyperthermia, susceptibility to, 5. Last evaluated: 2022-04-23. Review status: criteria provided, single submitter. Criteria: ACMG Guidelines, 2015. Collection method: clinical testing. Allele origin: unknown.